The following is an entry in ClinVar:

NM_016642.4(SPTBN5):c.5889C>G (p.Arg1963=)

Gene: SPTBN5 (spectrin beta, non-erythrocytic 5; minus strand). Cytogenetic location: 15q15.1.
Variant type: single nucleotide variant.
Coding change: c.5889C>G on transcript NM_016642.4 (MANE Select); coding-DNA position 5889, C replaced by G.
Protein change: p.Arg1963=; no amino-acid change (arginine 1963 retained).
Molecular consequence: synonymous variant.
Genome position (GRCh38, 1-based): chr15:41,868,566, G>C on the plus strand (C>G on the coding strand, the complement: SPTBN5 is on the minus strand). VCF-style: chr15-41868566-G-C. GRCh37 (hg19) VCF-style: chr15-42160764-G-C.
Identifiers: ClinVar variation 3057835 (VCV003057835.2), dbSNP rs753022687, ClinGen allele CA7502790.

ClinVar aggregate classification (germline): Likely benign (0 of 4 stars; one submission).

Conditions:
SPTBN5-related disorder. Also called: SPTBN5-related condition.

Allele frequency attached by ClinVar (database versions not stated): ExAC 0.00002; gnomAD 0.00003; TOPMed 0.00004.
gnomAD v4.1: 210 of 1,601,866 alleles (0.013%); highest among the groups gnomAD compares: Non-Finnish European, 0.017%; no homozygotes.

Submission:

PreventionGenetics, part of Exact Sciences
Classification: Likely benign for SPTBN5-related condition. Last evaluated: 2019-04-15. Review status: no assertion criteria provided. Collection method: clinical testing. Allele origin: germline.
Comment: This variant is classified as likely benign based on ACMG/AMP sequence variant interpretation guidelines (Richards et al. 2015 PMID: 25741868, with internal and published modifications).